The following is an entry in ClinVar:

ClinVar aggregate classification (germline): Uncertain significance. Review status: criteria provided, multiple submitters, no conflicts (2 of 4 stars). 2 submissions from 2 submitters: Uncertain significance (2). Last evaluated 2024-11-06.

Allele frequency attached by ClinVar (database versions not stated): ExAC 0.00003; gnomAD 0.00003; TOPMed 0.00003; 1000 Genomes Project 30x 0.00031; 1000 Genomes Project 0.00040.

Submissions (2):

Labcorp Genetics (formerly Invitae), Labcorp
Classification: Uncertain significance. Last evaluated: 2024-11-06. Review status: criteria provided, single submitter. Criteria: Invitae Variant Classification Sherloc (09022015). Collection method: clinical testing. Allele origin: germline.
Comment: This sequence change replaces arginine, which is basic and polar, with glutamine, which is neutral and polar, at codon 69 of the MMP13 protein (p.Arg69Gln). This variant is present in population databases (rs558630699, gnomAD 0.01%). This variant has not been reported in the literature in individuals affected with MMP13-related conditions. ClinVar contains an entry for this variant (Variation ID: 2374648). Invitae Evidence Modeling of protein sequence and biophysical properties (such as structural, functional, and spatial information, amino acid conservation, physicochemical variation, residue mobility, and thermodynamic stability) indicates that this missense variant is not expected to disrupt MMP13 protein function with a negative predictive value of 80%. In summary, the available evidence is currently insufficient to determine the role of this variant in disease. Therefore, it has been classified as a Variant of Uncertain Significance.

Ambry Genetics
Classification: Uncertain significance. Last evaluated: 2022-09-14. Review status: criteria provided, single submitter. Criteria: Ambry Variant Classification Scheme 2023. Collection method: clinical testing. Allele origin: germline.

NM_002427.4(MMP13):c.206G>A (p.Arg69Gln)

Genes: MMP13 (matrix metallopeptidase 13; minus strand), LOC126861318 (BRD4-independent group 4 enhancer GRCh37_chr11:102825894-102827093; plus strand). Cytogenetic location: 11q22.2.
Variant type: single nucleotide variant.
Coding change: c.206G>A on transcript NM_002427.4 (MANE Select); coding-DNA position 206, G replaced by A.
Protein change: p.Arg69Gln; replaces arginine 69 with glutamine.
Molecular consequence: missense variant.
Genome position (GRCh38, 1-based): chr11:102,955,408, C>T on the plus strand (G>A on the coding strand, the complement: MMP13 is on the minus strand). VCF-style: chr11-102955408-C-T. GRCh37 (hg19) VCF-style: chr11-102826137-C-T.
Other names: short protein forms R69Q.
Identifiers: ClinVar variation 2374648 (VCV002374648.5), dbSNP rs558630699, ClinGen allele CA6252043.
Genomic context (GRCh38, chr11:102,955,408, plus strand): 5'-TCTAAGGTGTTATCGTCAAGTTTGCCAGTCACCTCTAAGCCGAAGAAAGACTGCATTTCT[C>T]GGAGCCTCTCAGTCATGGAGCTTGCTGCATTCTCCTTCAGGATTCCCGCGAGATTTGTAG-3'
Protein context (NP_002418.1, residues 59-79): NAASSMTERL[Arg69Gln]EMQSFFGLEV